The following is an entry in ClinVar:

ClinVar aggregate classification (germline): Likely pathogenic (1 of 4 stars; one submission).

Conditions:
Intellectual developmental disorder with autism and macrocephaly. Also called: Autism, susceptibility to, 18; CHD8-Related Neurodevelopmental Disorder with Overgrowth. Identifiers: Orphanet 642675, MedGen C3554373, MONDO:0014017, OMIM 615032.

Submission:

Juno Genomics, Hangzhou Juno Genomics, Inc
Classification: Likely pathogenic for Intellectual developmental disorder with autism and macrocephaly. Review status: criteria provided, single submitter. Criteria: ACMG Guidelines, 2015. Collection method: clinical testing. Allele origin: germline. Affected: yes.
Comment: Absent from controls (or at extremely low frequency if recessive) in Genome Aggregation Database, Exome Sequencing Project, 1000 Genomes Project, or Exome Aggregation Consortium.;Null variant in a gene where loss of function (LOF) is a known mechanism of disease.

NM_001170629.2(CHD8):c.3102dup (p.Glu1035fs)

Gene: CHD8 (chromodomain helicase DNA binding protein 8; minus strand). Cytogenetic location: 14q11.2.
Variant type: Duplication.
Coding change: c.3102dup on transcript NM_001170629.2 (MANE Select); coding-DNA position 3102, one base duplicated (A; older notation c.3102dupA).
Protein change: p.Glu1035fs; shifts the reading frame from glutamic acid 1035.
Molecular consequence: frameshift variant.
Genome position (GRCh38, 1-based): chr14:21,405,414, T duplicated on the plus strand (A on the coding strand, the reverse complement: CHD8 is on the minus strand); the first of 3 consecutive T bases (chr14:21,405,414-21,405,416); duplicating any one gives the same sequence. VCF-style (leftmost placement, unchanged base first): chr14-21405413-C-CT. GRCh37 (hg19) VCF-style: chr14-21873572-C-CT.
Other names: c.2265dup, p.Glu756fs (NM_020920.4); short protein forms E1035fs, E756fs.
Identifiers: ClinVar variation 4072416 (VCV004072416.2).
Genomic context (GRCh38, chr14:21,405,413, plus strand): 5'-TAGTCAGCTCTACTTCAATAATTGTTTCCTGTTTGGGTGCCAAGTTTTTTTCAACATCCT[C>CT]TTTGAGTCTTCTCAGCATCATTGGCTTAAGAATGGCCTGTAGCTTTTGAACCTGTGGTCC-3'